The following is an entry in ClinVar:

NC_000017.10:g.(41243050_41243451)_(41251898_41256138)del

Gene: BRCA1 (BRCA1 DNA repair associated; minus strand). Cytogenetic location: 17q21.31.
Variant type: Deletion.
Identifiers: ClinVar variation 4887537 (VCV004887537.1).

ClinVar aggregate classification (germline): Pathogenic (1 of 4 stars; one submission).

Conditions:
Hereditary breast ovarian cancer syndrome. Also called: Hereditary breast and ovarian cancer syndrome; Hereditary breast and ovarian cancer; Hereditary breast and ovarian cancer syndrome (HBOC); Breast and ovarian cancer; Hereditary breast and/or ovarian cancer syndrome; BRCA1- and BRCA2-Associated Hereditary Breast and Ovarian Cancer. Identifiers: Orphanet 145, MedGen C0677776, MeSH D061325, MONDO:0003582. Disease mechanism: loss of function.

Submission:

Women's Health and Genetics/Laboratory Corporation of America, LabCorp
Classification: Pathogenic for Hereditary breast ovarian cancer syndrome. Last evaluated: 2026-06-03. Review status: criteria provided, single submitter. Criteria: LabCorp Variant Classification Summary - May 2015. Collection method: clinical testing. Allele origin: germline.
Comment: Variant summary: The variant involves the deletion of exons 7-10 in the BRCA1 gene. A presumed nomenclature of c.(441+1_442-1)_(4096+1_4097-1)del has been designated for the purposes of this classification. This Copy Number Variant (CNV) is expected to alter the reading frame and predicted to result in a truncation or absence of the encoded protein due to nonsense mediated decay (NMD). Loss-of-function variants in this gene are known to be pathogenic. The variant was absent in 21694 control chromosomes. To our knowledge, no occurrence of c.(441+1_442-1)_(4096+1_4097-1)del in individuals affected with BRCA1-related conditions and no experimental evidence demonstrating its impact on protein function have been reported. No submitters have cited clinical-significance assessments for this variant to ClinVar. Based on the evidence outlined above, the variant was classified as pathogenic.